The following is an entry in ClinVar:

ClinVar aggregate classification (germline): Uncertain significance. Review status: criteria provided, multiple submitters, no conflicts (2 of 4 stars). 2 submissions from 2 submitters: Uncertain significance (2). Last evaluated 2025-06-12.

Conditions:
Amyotrophic lateral sclerosis type 4 (ALS4). Also called: AMYOTROPHIC LATERAL SCLEROSIS 4, JUVENILE; NEURONOPATHY, DISTAL HEREDITARY MOTOR, WITH PYRAMIDAL FEATURES. Identifiers: Orphanet 357043, MedGen C1865409, MONDO:0011223, OMIM 602433.
Spinocerebellar ataxia, autosomal recessive, with axonal neuropathy 2 (SCAN2). Also called: Ataxia-ocular apraxia-2; Ataxia with Oculomotor Apraxia Type 2; Ataxia with Oculomotor Apraxia; ATAXIA-OCULOMOTOR APRAXIA 2. Identifiers: Orphanet 64753, MedGen C1853761, MONDO:0018996, OMIM 606002.
Inborn genetic diseases. Identifiers: MedGen C0950123, MeSH D030342.

Allele frequency attached by ClinVar (database versions not stated): gnomAD 0.00004; TOPMed 0.00006.
gnomAD v4.1: 6 of 1,613,846 alleles (0.00037%); highest among the groups gnomAD compares: African/African-American, 0.008%; no homozygotes.

Submissions (2):

Labcorp Genetics (formerly Invitae), Labcorp
Classification: Uncertain significance for Amyotrophic lateral sclerosis type 4; Spinocerebellar ataxia, autosomal recessive, with axonal neuropathy 2. Last evaluated: 2025-06-12. Review status: criteria provided, single submitter. Criteria: Invitae Variant Classification Sherloc (09022015). Collection method: clinical testing. Allele origin: germline.
Comment: This sequence change replaces valine, which is neutral and non-polar, with leucine, which is neutral and non-polar, at codon 742 of the SETX protein (p.Val742Leu). This variant is not present in population databases (gnomAD no frequency). This variant has not been reported in the literature in individuals affected with SETX-related conditions. ClinVar contains an entry for this variant (Variation ID: 2247142). Invitae Evidence Modeling of protein sequence and biophysical properties (such as structural, functional, and spatial information, amino acid conservation, physicochemical variation, residue mobility, and thermodynamic stability) indicates that this missense variant is not expected to disrupt SETX protein function with a negative predictive value of 95%. In summary, the available evidence is currently insufficient to determine the role of this variant in disease. Therefore, it has been classified as a Variant of Uncertain Significance.

Ambry Genetics
Classification: Uncertain significance for Inborn genetic diseases. Last evaluated: 2021-08-30. Review status: criteria provided, single submitter. Criteria: Ambry Variant Classification Scheme 2023. Collection method: clinical testing. Allele origin: germline.

NM_015046.7(SETX):c.2224G>T (p.Val742Leu)

Gene: SETX (senataxin; minus strand). Cytogenetic location: 9q34.13.
Variant type: single nucleotide variant.
Coding change: c.2224G>T on transcript NM_015046.7 (MANE Select); coding-DNA position 2224, G replaced by T.
Protein change: p.Val742Leu; replaces valine 742 with leucine.
Molecular consequence: missense variant.
Genome position (GRCh38, 1-based): chr9:132,329,374, C>A on the plus strand (G>T on the coding strand, the complement: SETX is on the minus strand). VCF-style: chr9-132329374-C-A. GRCh37 (hg19) VCF-style: chr9-135204761-C-A.
Other names: c.2224G>T, p.Val742Leu (NM_001351527.2, NM_001351528.2); short protein forms V742L.
Identifiers: ClinVar variation 2247142 (VCV002247142.3), dbSNP rs965465481, ClinGen allele CA200813039.